The following is an entry in ClinVar:

ClinVar aggregate classification (germline): Likely pathogenic (1 of 4 stars; one submission).

Conditions:
Autosomal recessive polycystic kidney disease (ARPKD). Also called: AR polycystic kidney disease. Identifiers: Orphanet 731, Orphanet 8378, MedGen C0085548, MeSH D017044, MONDO:0009889.

Submission:

Labcorp Genetics (formerly Invitae), Labcorp
Classification: Likely pathogenic for Autosomal recessive polycystic kidney disease. Last evaluated: 2023-07-08. Review status: criteria provided, single submitter. Criteria: Invitae Variant Classification Sherloc (09022015). Collection method: clinical testing. Allele origin: germline.
Comment: This variant is not present in population databases (gnomAD no frequency). In summary, the currently available evidence indicates that the variant is pathogenic, but additional data are needed to prove that conclusively. Therefore, this variant has been classified as Likely Pathogenic. This variant disrupts the p.Trp2690 amino acid residue in PKHD1. Other variant(s) that disrupt this residue have been determined to be pathogenic (PMID: 14971004, 15698423, 19021639, 20413436). This suggests that this residue is clinically significant, and that variants that disrupt this residue are likely to be disease-causing. Advanced modeling of protein sequence and biophysical properties (such as structural, functional, and spatial information, amino acid conservation, physicochemical variation, residue mobility, and thermodynamic stability) performed at Invitae indicates that this missense variant is expected to disrupt PKHD1 protein function. ClinVar contains an entry for this variant (Variation ID: 2006001). This variant has not been reported in the literature in individuals affected with PKHD1-related conditions. This sequence change replaces tryptophan, which is neutral and slightly polar, with serine, which is neutral and polar, at codon 2690 of the PKHD1 protein (p.Trp2690Ser).

Literature cited by the submitters: PubMed 14971004; PubMed 15698423; PubMed 19021639; PubMed 20413436.

NM_138694.4(PKHD1):c.8069G>C (p.Trp2690Ser)

Gene: PKHD1 (PKHD1 ciliary IPT domain containing fibrocystin/polyductin; minus strand). Cytogenetic location: 6p12.2.
Variant type: single nucleotide variant.
Coding change: c.8069G>C on transcript NM_138694.4 (MANE Select); coding-DNA position 8069, G replaced by C.
Protein change: p.Trp2690Ser; replaces tryptophan 2690 with serine.
Molecular consequence: missense variant.
Genome position (GRCh38, 1-based): chr6:51,847,813, C>G on the plus strand (G>C on the coding strand, the complement: PKHD1 is on the minus strand). VCF-style: chr6-51847813-C-G. GRCh37 (hg19) VCF-style: chr6-51712611-C-G.
Other names: c.8069G>C, p.Trp2690Ser (NM_170724.3); short protein forms W2690S.
Identifiers: ClinVar variation 2006001 (VCV002006001.4), dbSNP rs768660365, ClinGen allele CA364429087.
Genomic context (GRCh38, chr6:51,847,813, plus strand): 5'-ATTCATCCAATTGGATACTTACCCAGATAGGTGAGTTGCCTCAGCTGGCTATTGAAGAAC[C>G]AGTCACAGCCTTGGTTCTGACCTGGTGATGGAAGAAATGGAAAAGACAGACCCACTCGAC-3'
Protein context (NP_619639.3, residues 2680-2700): PSPGQNQGCD[Trp2690Ser]FFNSQLRQLT